The following is an entry in ClinVar:

NM_000083.3(CLCN1):c.1775A>G (p.Asp592Gly)

Gene: CLCN1 (chloride voltage-gated channel 1; plus strand). Cytogenetic location: 7q34.
Variant type: single nucleotide variant.
Coding change: c.1775A>G on transcript NM_000083.3 (MANE Select); coding-DNA position 1775, A replaced by G.
Protein change: p.Asp592Gly; replaces aspartic acid 592 with glycine.
Molecular consequence: missense variant. On other transcripts: non-coding transcript variant (1).
Genome position (GRCh38, 1-based): chr7:143,342,121, A>G. VCF-style: chr7-143342121-A-G. GRCh37 (hg19) VCF-style: chr7-143039214-A-G.
Other names: p.Asp592Gly; c.1775A>G (NM_000083.2); short protein forms D592G.
Identifiers: ClinVar variation 2146561 (VCV002146561.5), dbSNP rs200536855, ClinGen allele CA168221759.

ClinVar aggregate classification (germline): Conflicting classifications of pathogenicity. Review status: criteria provided, conflicting classifications (1 of 4 stars). 3 submissions from 3 submitters: Pathogenic (1); Uncertain significance (2). Last evaluated 2025-12-04.

Conditions:
Congenital myotonia, autosomal dominant form (THD). Also called: THOMSEN DISEASE; Myotonia congenita autosomal dominant. Identifiers: Orphanet 614, MedGen C2936781, MONDO:0008055, OMIM 160800.
Inborn genetic diseases. Identifiers: MedGen C0950123, MeSH D030342.
Congenital myotonia, autosomal recessive form. Also called: BECKER DISEASE; Becker Generalized Myotonia; myotonia congenita, autosomal recessive. Identifiers: Orphanet 614, MedGen C0751360, MONDO:0009715, OMIM 255700.

Allele frequency attached by ClinVar (database versions not stated): gnomAD exomes 0.00001; gnomAD 0.00003; 1000 Genomes Project 30x 0.00016; 1000 Genomes Project 0.00020.
gnomAD v4.1: 17 of 1,614,176 alleles (0.0011%); highest among the groups gnomAD compares: Admixed American, 0.027%; 1 homozygote.

Submissions (3):

Ambry Genetics
Classification: Uncertain significance for Inborn genetic diseases. Last evaluated: 2025-12-04. Review status: criteria provided, single submitter. Criteria: Ambry Variant Classification Scheme 2023. Collection method: clinical testing. Allele origin: germline.

Molecular Genetics and NGS Laboratory, Hospital Fundacion Valle Del Lili
Classification: Pathogenic for Congenital myotonia, autosomal dominant form. Last evaluated: 2025-08-24. Review status: criteria provided, single submitter. Criteria: ACMG Guidelines, 2015. Collection method: clinical testing. Allele origin: germline. Affected: yes. Observed: 1 variant allele.

Labcorp Genetics (formerly Invitae), Labcorp
Classification: Uncertain significance for Congenital myotonia, autosomal recessive form; Congenital myotonia, autosomal dominant form. Last evaluated: 2025-08-19. Review status: criteria provided, single submitter. Criteria: Invitae Variant Classification Sherloc (09022015). Collection method: clinical testing. Allele origin: germline.
Comment: This sequence change replaces aspartic acid, which is acidic and polar, with glycine, which is neutral and non-polar, at codon 592 of the CLCN1 protein (p.Asp592Gly). This variant is present in population databases (rs200536855, gnomAD 0.009%). This variant has not been reported in the literature in individuals affected with CLCN1-related conditions. ClinVar contains an entry for this variant (Variation ID: 2146561). Invitae Evidence Modeling of protein sequence and biophysical properties (such as structural, functional, and spatial information, amino acid conservation, physicochemical variation, residue mobility, and thermodynamic stability) indicates that this missense variant is expected to disrupt CLCN1 protein function with a positive predictive value of 80%. In summary, the available evidence is currently insufficient to determine the role of this variant in disease. Therefore, it has been classified as a Variant of Uncertain Significance.